The following is an entry in ClinVar:

NM_019032.6(ADAMTSL4):c.1274G>A (p.Arg425His)

Genes: ADAMTSL4 (ADAMTS like 4; plus strand), ADAMTSL4-AS2 (ADAMTSL4 antisense RNA 2; minus strand). Cytogenetic location: 1q21.2.
Variant type: single nucleotide variant.
Coding change: c.1274G>A on transcript NM_019032.6 (MANE Select); coding-DNA position 1274, G replaced by A.
Protein change: p.Arg425His; replaces arginine 425 with histidine.
Molecular consequence: missense variant.
Genome position (GRCh38, 1-based): chr1:150,555,468, G>A. VCF-style: chr1-150555468-G-A. GRCh37 (hg19) VCF-style: chr1-150527944-G-A.
Other names: c.1343G>A, p.Arg448His (NM_001288607.2, NM_001288608.2); c.1274G>A, p.Arg425His (NM_001378596.1, NM_025008.5); short protein forms R425H, R448H.
Identifiers: ClinVar variation 3492778 (VCV003492778.2).

ClinVar aggregate classification (germline): Uncertain significance. Review status: criteria provided, multiple submitters, no conflicts (2 of 4 stars). 2 submissions from 2 submitters: Uncertain significance (2). Last evaluated 2024-10-12.

Conditions:
Inborn genetic diseases. Identifiers: MedGen C0950123, MeSH D030342.

gnomAD v4.1: 33 of 1,614,050 alleles (0.002%); highest among the groups gnomAD compares: East Asian, 0.0045%; no homozygotes.

Submissions (2):

Ambry Genetics
Classification: Uncertain significance for Inborn genetic diseases. Last evaluated: 2024-10-12. Review status: criteria provided, single submitter. Criteria: Ambry Variant Classification Scheme 2023. Collection method: clinical testing. Allele origin: germline.

Labcorp Genetics (formerly Invitae), Labcorp
Classification: Uncertain significance. Last evaluated: 2024-05-31. Review status: criteria provided, single submitter. Criteria: Invitae Variant Classification Sherloc (09022015). Collection method: clinical testing. Allele origin: germline.
Comment: This sequence change replaces arginine, which is basic and polar, with histidine, which is basic and polar, at codon 425 of the ADAMTSL4 protein (p.Arg425His). This variant is present in population databases (no rsID available, gnomAD 0.003%). This variant has not been reported in the literature in individuals affected with ADAMTSL4-related conditions. Advanced modeling of protein sequence and biophysical properties (such as structural, functional, and spatial information, amino acid conservation, physicochemical variation, residue mobility, and thermodynamic stability) performed at Invitae indicates that this missense variant is not expected to disrupt ADAMTSL4 protein function with a negative predictive value of 80%. In summary, the available evidence is currently insufficient to determine the role of this variant in disease. Therefore, it has been classified as a Variant of Uncertain Significance.